The following is an entry in ClinVar:

NM_199420.4(POLQ):c.1073C>T (p.Ala358Val)

Gene: POLQ (DNA polymerase theta; minus strand). Cytogenetic location: 3q13.33.
Variant type: single nucleotide variant.
Coding change: c.1073C>T on transcript NM_199420.4 (MANE Select); coding-DNA position 1073, C replaced by T.
Protein change: p.Ala358Val; replaces alanine 358 with valine.
Molecular consequence: missense variant.
Genome position (GRCh38, 1-based): chr3:121,529,680, G>A on the plus strand (C>T on the coding strand, the complement: POLQ is on the minus strand). VCF-style: chr3-121529680-G-A. GRCh37 (hg19) VCF-style: chr3-121248527-G-A.
Other names: short protein forms A358V.
Identifiers: ClinVar variation 3422493 (VCV003422493.1).

ClinVar aggregate classification (germline): Uncertain significance (1 of 4 stars; one submission).

Submission:

Ambry Genetics
Classification: Uncertain significance. Last evaluated: 2024-08-12. Review status: criteria provided, single submitter. Criteria: Ambry Variant Classification Scheme 2023. Collection method: clinical testing. Allele origin: germline.
Comment: The p.A358V variant (also known as c.1073C>T), located in coding exon 7 of the POLQ gene, results from a C to T substitution at nucleotide position 1073. The alanine at codon 358 is replaced by valine, an amino acid with similar properties. This amino acid position is conserved. In addition, the in silico prediction for this alteration is inconclusive. Based on the available evidence, the clinical significance of this variant remains unclear.